The following is an entry in ClinVar:

ClinVar aggregate classification (germline): Likely benign (1 of 4 stars; one submission).

gnomAD v4.1: 1 of 1,613,922 alleles (0.000062%); no homozygotes.

Submission:

GeneDx
Classification: Likely benign. Last evaluated: 2017-11-30. Review status: criteria provided, single submitter. Criteria: GeneDx Variant Classification (06012015). Collection method: clinical testing. Allele origin: germline. Affected: yes.
Comment: This variant is considered likely benign or benign based on one or more of the following criteria: it is a conservative change, it occurs at a poorly conserved position in the protein, it is predicted to be benign by multiple in silico algorithms, and/or has population frequency not consistent with disease.

NM_017875.4(SLC25A38):c.492C>T (p.Ala164=)

Gene: SLC25A38 (solute carrier family 25 member 38; plus strand). Cytogenetic location: 3p22.1.
Variant type: single nucleotide variant.
Coding change: c.492C>T on transcript NM_017875.4 (MANE Select); coding-DNA position 492, C replaced by T.
Protein change: p.Ala164=; no amino-acid change (alanine 164 retained).
Molecular consequence: synonymous variant.
Genome position (GRCh38, 1-based): chr3:39,391,888, C>T. VCF-style: chr3-39391888-C-T. GRCh37 (hg19) VCF-style: chr3-39433379-C-T.
Other names: c.492C>T, p.Ala164= (NM_001354798.2, LRG_1133t1).
Identifiers: ClinVar variation 513167 (VCV000513167.1), dbSNP rs1553611824, ClinGen allele CA433162235.
Genomic context (GRCh38, chr3:39,391,888, plus strand): 5'-CACTGGTTCTGTGCTCTCTTTGCAGAGTGGGAAATATGGCTATGAGAGTATCTACGCTGC[C>T]CTGAGGAGCATCTATCACAGTGAGGGGCACCGGGGCCTCTTCAGTGGCCTGACAGCAACT-3'
Protein context (NP_060345.2, residues 154-174): GKYGYESIYA[Ala164=]LRSIYHSEGH